The following is an entry in ClinVar:

NM_172107.4(KCNQ2):c.2593_2597dup (p.Arg871fs)

Gene: KCNQ2 (potassium voltage-gated channel subfamily Q member 2; minus strand). Cytogenetic location: 20q13.33.
Variant type: Duplication.
Coding change: c.2593_2597dup on transcript NM_172107.4 (MANE Select); coding-DNA positions 2593 to 2597, 5 bases duplicated (GTGGG; older notation c.2593_2597dupGTGGG).
Protein change: p.Arg871fs; shifts the reading frame from arginine 871.
Molecular consequence: frameshift variant.
Genome position (GRCh38, 1-based): chr20:63,406,666-63,406,670, CCCAC duplicated on the plus strand (GTGGG on the coding strand, the reverse complement: KCNQ2 is on the minus strand). VCF-style (leftmost placement, unchanged base first): chr20-63406665-G-GCCCAC. GRCh37 (hg19) VCF-style: chr20-62038018-G-GCCCAC.
Other names: c.2647_2651dup, p.Arg889fs (NM_001382235.1); c.2536_2540dup, p.Arg852fs (NM_001439003.1); c.2506_2510dup, p.Arg842fs (NM_001439004.1); c.2509_2513dup, p.Arg843fs (NM_004518.6); c.2539_2543dup, p.Arg853fs (NM_172106.3); c.2500_2504dup, p.Arg840fs (NM_172108.5); short protein forms R840fs, R842fs, R853fs, R871fs, R889fs, R843fs, R852fs.
Identifiers: ClinVar variation 4715461 (VCV004715461.1).

ClinVar aggregate classification (germline): Pathogenic (1 of 4 stars; one submission).

Conditions:
Early-infantile DEE. Also called: Early infantile epileptic encephalopathy; Ohtahara syndrome; Early infantile epileptic encephalopathy with suppression bursts. Identifiers: Orphanet 1934, MedGen C0393706, MONDO:0800491.

Submission:

Labcorp Genetics (formerly Invitae), Labcorp
Classification: Pathogenic for Early-infantile DEE. Last evaluated: 2025-03-19. Review status: criteria provided, single submitter. Criteria: Invitae Variant Classification Sherloc (09022015). Collection method: clinical testing. Allele origin: germline.
Comment: This sequence change results in a frameshift in the KCNQ2 gene (p.Arg871Glyfs*61). While this is not anticipated to result in nonsense mediated decay, it is expected to disrupt the last 2 amino acid(s) of the KCNQ2 protein and extend the protein by 58 additional amino acid residues. This variant is not present in population databases (gnomAD no frequency). This frameshift has been observed in individuals with benign familial neonatal seizures (PMID: 14534157, 24375629). It has also been observed to segregate with disease in related individuals. Algorithms developed to predict the effect of variants on gene product structure and function are not available or were not evaluated for this variant. Experimental studies have shown that this frameshift affects KCNQ2 function (PMID: 14534157). For these reasons, this variant has been classified as Pathogenic.

Literature cited by the submitters: PubMed 14534157; PubMed 24375629.